The following is an entry in ClinVar:

NM_021999.5(ITM2B):c.335A>T (p.Tyr112Phe)

Gene: ITM2B (integral membrane protein 2B; plus strand). Cytogenetic location: 13q14.2.
Variant type: single nucleotide variant.
Coding change: c.335A>T on transcript NM_021999.5 (MANE Select); coding-DNA position 335, A replaced by T.
Protein change: p.Tyr112Phe; replaces tyrosine 112 with phenylalanine.
Molecular consequence: missense variant.
Genome position (GRCh38, 1-based): chr13:48,256,265, A>T. VCF-style: chr13-48256265-A-T. GRCh37 (hg19) VCF-style: chr13-48830401-A-T.
Other names: short protein forms Y112F.
Identifiers: ClinVar variation 2047978 (VCV002047978.4), dbSNP rs2542057274, ClinGen allele CA388251213.

ClinVar aggregate classification (germline): Uncertain significance (1 of 4 stars; one submission).

Submission:

Labcorp Genetics (formerly Invitae), Labcorp
Classification: Uncertain significance. Last evaluated: 2022-01-11. Review status: criteria provided, single submitter. Criteria: Invitae Variant Classification Sherloc (09022015). Collection method: clinical testing. Allele origin: germline.
Comment: In summary, the available evidence is currently insufficient to determine the role of this variant in disease. Therefore, it has been classified as a Variant of Uncertain Significance. Algorithms developed to predict the effect of missense changes on protein structure and function (SIFT, PolyPhen-2, Align-GVGD) all suggest that this variant is likely to be tolerated. This variant has not been reported in the literature in individuals affected with ITM2B-related conditions. This variant is not present in population databases (gnomAD no frequency). This sequence change replaces tyrosine, which is neutral and polar, with phenylalanine, which is neutral and non-polar, at codon 112 of the ITM2B protein (p.Tyr112Phe).